The following is an entry in ClinVar:

ClinVar aggregate classification (germline): Pathogenic. Review status: reviewed by expert panel (3 of 4 stars). 2 submissions from 2 submitters: Pathogenic (1). 1 of the submissions does not count toward it. Last evaluated 2016-10-18.

Conditions:
Breast-ovarian cancer, familial, susceptibility to, 2 (BROVCA2). Also called: BRCA2 Hereditary Breast and Ovarian Cancer. Identifiers: Orphanet 145, MedGen C2675520, MONDO:0012933, OMIM 612555. Disease mechanism: loss of function.

Submissions (2):

Evidence-based Network for the Interpretation of Germline Mutant Alleles (ENIGMA)
Classification: Pathogenic for Breast-ovarian cancer, familial, susceptibility to, 2. Last evaluated: 2016-10-18. Review status: reviewed by expert panel. Criteria: ENIGMA BRCA1/2 Classification Criteria (2015). Collection method: curation. Allele origin: germline.
Comment: Variant allele predicted to encode a truncated non-functional protein.

Consortium of Investigators of Modifiers of BRCA1/2 (CIMBA), c/o University of Cambridge
Classification: Pathogenic for Breast-ovarian cancer, familial, susceptibility to, 2. Last evaluated: 2015-10-02. Review status: criteria provided, single submitter. Criteria: CIMBA Mutation Classification guidelines May 2016. Collection method: clinical testing. Allele origin: germline. Not counted in ClinVar's aggregate classification.

NM_000059.4(BRCA2):c.1069del (p.Glu357fs)

Gene: BRCA2 (BRCA2 DNA repair associated; plus strand). Cytogenetic location: 13q13.1.
Variant type: Deletion.
Coding change: c.1069del on transcript NM_000059.4 (MANE Select); coding-DNA position 1069, one base deleted (G; older notation c.1069delG).
Protein change: p.Glu357fs; shifts the reading frame from glutamic acid 357.
Molecular consequence: frameshift variant.
Genome position (GRCh38, 1-based): chr13:32,332,547, G deleted. VCF-style (leftmost placement, unchanged base first): chr13-32332546-TG-T. GRCh37 (hg19) VCF-style: chr13-32906683-TG-T.
Other names: 1297delG; short protein forms E357fs.
Identifiers: ClinVar variation 266607 (VCV000266607.5), dbSNP rs886040343, ClinGen allele CA10589071.